The following is an entry in ClinVar:

ClinVar aggregate classification (germline): Uncertain significance (1 of 4 stars; one submission).

Conditions:
Epilepsy. Also called: Seizure disorder. Identifiers: MedGen C0014544, MeSH D004827, MONDO:0005027.

Submission:

Victorian Clinical Genetics Services, Murdoch Childrens Research Institute
Classification: Uncertain significance for Epilepsy. Last evaluated: 2025-07-15. Review status: criteria provided, single submitter. Criteria: ACMG Guidelines, 2015. Collection method: clinical testing. Allele origin: germline. Affected: yes.
Comment: This variant is classified as VUS-3B. Evidence in support of pathogenic classification: Variant is absent from gnomAD (v2, v3 and v4). Additional information: Variant is predicted to result in a missense amino acid change from Thr to Ser; This variant is heterozygous; This gene is associated with both recessive and dominant disease. Biallelic missense and inframe deletion variants have been reported to cause recessive disease, while monoallelic loss of function and missense variants have been reported in dominant disease (PMIDs: 36600631, 40393460); Alternative amino acid change(s) at the same position are present in gnomAD (Highest allele count: v4: 1 heterozygote(s), 0 homozygote(s)); This variant has no previous evidence of pathogenicity; No published evidence of segregation with disease has been identified for this variant; No published functional evidence has been identified for this variant; No comparable missense variants have previous evidence for pathogenicity; Variant is not located in an established domain, motif, hotspot or informative constraint region; Missense variant with inconclusive in silico prediction and high conservation; Loss of function is a likely mechanism of disease in this gene and is associated with epilepsy (MONDO:0005027), BSN-related; The autosomal dominant condition associated with this gene has incomplete penetrance (PMID: 40393460); Inheritance information for this variant is not currently available in this individual.

Literature cited by the submitters: PubMed 36600631; PubMed 40393460.

NM_003458.4(BSN):c.9721A>T (p.Thr3241Ser)

Gene: BSN (bassoon presynaptic cytomatrix protein; plus strand). Cytogenetic location: 3p21.31.
Variant type: single nucleotide variant.
Coding change: c.9721A>T on transcript NM_003458.4 (MANE Select); coding-DNA position 9721, A replaced by T.
Protein change: p.Thr3241Ser; replaces threonine 3241 with serine.
Molecular consequence: missense variant.
Genome position (GRCh38, 1-based): chr3:49,661,566, A>T. VCF-style: chr3-49661566-A-T. GRCh37 (hg19) VCF-style: chr3-49698999-A-T.
Other names: short protein forms T3241S.
Identifiers: ClinVar variation 4531900 (VCV004531900.1).